The following is an entry in ClinVar:

ClinVar aggregate classification (germline): Uncertain significance (1 of 4 stars; one submission).

Conditions:
Hereditary cancer-predisposing syndrome. Also called: Neoplastic Syndromes, Hereditary; Tumor predisposition; Hereditary neoplastic syndrome; Hereditary Cancer Syndrome. Identifiers: Orphanet 140162, MedGen C0027672, MeSH D009386, MONDO:0015356.

gnomAD v4.1: 1 of 1,613,708 alleles (0.000062%); highest among the groups gnomAD compares: South Asian, 0.0011%; no homozygotes.

Submission:

Ambry Genetics
Classification: Uncertain significance for Hereditary cancer-predisposing syndrome. Last evaluated: 2026-08-08. Review status: criteria provided, single submitter. Criteria: Ambry Variant Classification Scheme 2023. Collection method: clinical testing. Allele origin: germline.
Comment: The p.L678V variant (also known as c.2032C>G), located in coding exon 14 of the KIT gene, results from a C to G substitution at nucleotide position 2032. The leucine at codon 678 is replaced by valine, an amino acid with highly similar properties. This amino acid position is conserved. In addition, this alteration is predicted to be deleterious by in silico analysis. Based on the available evidence, the clinical significance of this variant remains unclear.

NM_000222.3(KIT):c.2032C>G (p.Leu678Val)

Gene: KIT (KIT proto-oncogene, receptor tyrosine kinase; plus strand). Cytogenetic location: 4q12.
Variant type: single nucleotide variant.
Coding change: c.2032C>G on transcript NM_000222.3 (MANE Select); coding-DNA position 2032, C replaced by G.
Protein change: p.Leu678Val; replaces leucine 678 with valine.
Molecular consequence: missense variant.
Genome position (GRCh38, 1-based): chr4:54,729,376, C>G. VCF-style: chr4-54729376-C-G. GRCh37 (hg19) VCF-style: chr4-55595542-C-G.
Other names: c.2020C>G, p.Leu674Val (NM_001093772.2, NM_001385286.1); c.2035C>G, p.Leu679Val (NM_001385284.1, NM_001385290.1); c.2032C>G, p.Leu678Val (NM_001385285.1); c.2023C>G, p.Leu675Val (NM_001385288.1, NM_001385292.1); short protein forms L678V, L679V, L674V, L675V.
Identifiers: ClinVar variation 5023333 (VCV005023333.1).
Genomic context (GRCh38, chr4:54,729,376, plus strand): 5'-TTTTCTTATGTGCTTTTAGGGCCCACCCTGGTCATTACAGAATATTGTTGCTATGGTGAT[C>G]TTTTGAATTTTTTGAGAAGAAAACGTGATTCATTTATTTGTTCAAAGCAGGAAGATCATG-3'
Protein context (NP_000213.1, residues 668-688): VITEYCCYGD[Leu678Val]LNFLRRKRDS